The following is an entry in ClinVar:

ClinVar aggregate classification (germline): Uncertain significance (1 of 4 stars; one submission).

Submission:

GeneDx
Classification: Uncertain significance. Last evaluated: 2025-05-12. Review status: criteria provided, single submitter. Criteria: GeneDx Variant Classification Process June 2021. Collection method: clinical testing. Allele origin: germline. Affected: yes.
Comment: Not observed at significant frequency in large population cohorts (gnomAD); Nonsense variant predicted to result in protein truncation as the last 169 amino acid(s) are lost with an unclear effect on protein function; Has not been previously published as pathogenic or benign to our knowledge

NM_006386.5(DDX17):c.1684+3A>T

Gene: DDX17 (DEAD-box helicase 17; minus strand). Cytogenetic location: 22q13.1.
Variant type: single nucleotide variant.
Coding change: c.1684+3A>T on transcript NM_006386.5 (MANE Select); 3 bases into the intron after coding-DNA position 1684, A replaced by T.
Molecular consequence: intron variant. On other transcripts: nonsense (1).
Genome position (GRCh38, 1-based): chr22:38,487,876, T>A on the plus strand (A>T on the coding strand, the complement: DDX17 is on the minus strand). VCF-style: chr22-38487876-T-A. GRCh37 (hg19) VCF-style: chr22-38883881-T-A.
Other names: c.1687A>T, p.Lys563Ter (NM_001098504.2); short protein forms K563*.
Identifiers: ClinVar variation 4529791 (VCV004529791.1).